The following is an entry in ClinVar:

ClinVar aggregate classification (germline): Uncertain significance (1 of 4 stars; one submission).

Conditions:
Disseminated atypical mycobacterial infection. Identifiers: MedGen C0694566.

Submission:

Labcorp Genetics (formerly Invitae), Labcorp
Classification: Uncertain significance for Disseminated atypical mycobacterial infection. Last evaluated: 2023-01-15. Review status: criteria provided, single submitter. Criteria: Invitae Variant Classification Sherloc (09022015). Collection method: clinical testing. Allele origin: germline.
Comment: This sequence change replaces valine, which is neutral and non-polar, with isoleucine, which is neutral and non-polar, at codon 10 of the IFNGR1 protein (p.Val10Ile). In summary, the available evidence is currently insufficient to determine the role of this variant in disease. Therefore, it has been classified as a Variant of Uncertain Significance. Algorithms developed to predict the effect of missense changes on protein structure and function output the following: SIFT: "Tolerated"; PolyPhen-2: "Benign"; Align-GVGD: "Class C0". The isoleucine amino acid residue is found in multiple mammalian species, which suggests that this missense change does not adversely affect protein function. This variant has not been reported in the literature in individuals affected with IFNGR1-related conditions. This variant is not present in population databases (gnomAD no frequency).

NM_000416.3(IFNGR1):c.28G>A (p.Val10Ile)

Gene: IFNGR1 (interferon gamma receptor 1; minus strand). Cytogenetic location: 6q23.3.
Variant type: single nucleotide variant.
Coding change: c.28G>A on transcript NM_000416.3 (MANE Select); coding-DNA position 28, G replaced by A.
Protein change: p.Val10Ile; replaces valine 10 with isoleucine.
Molecular consequence: missense variant.
Genome position (GRCh38, 1-based): chr6:137,219,300, C>T on the plus strand (G>A on the coding strand, the complement: IFNGR1 is on the minus strand). VCF-style: chr6-137219300-C-T. GRCh37 (hg19) VCF-style: chr6-137540437-C-T.
Other names: short protein forms V10I.
Identifiers: ClinVar variation 2825557 (VCV002825557.3), dbSNP rs2114527746, ClinGen allele CA365776500.